The following is an entry in ClinVar:

ClinVar aggregate classification (germline): Pathogenic/Likely pathogenic. Review status: criteria provided, multiple submitters, no conflicts (2 of 4 stars). 2 submissions from 2 submitters: Pathogenic (1); Likely pathogenic (1). Last evaluated 2025-03-10.

Conditions:
Carnitine palmitoyl transferase 1A deficiency. Also called: Carnitine palmitoyltransferase type I deficiency; CPT I DEFICIENCY; CPT DEFICIENCY, HEPATIC, TYPE I; Carnitine palmitoyltransferase 1A deficiency; CPT deficiency, hepatic, type IA. Identifiers: Orphanet 156, MedGen C1829703, MONDO:0009705, OMIM 255120.

Allele frequency attached by ClinVar (database versions not stated): gnomAD exomes below 0.00001.
gnomAD v4.1: 2 of 1,613,612 alleles (0.00012%); highest among the groups gnomAD compares: Non-Finnish European, 0.00017%; no homozygotes.

Submissions (2):

Natera, Inc.
Classification: Likely pathogenic for Carnitine palmitoyltransferase type I deficiency. Last evaluated: 2025-03-10. Review status: criteria provided, single submitter. Criteria: Natera Variant Classification Schema (03/2026). Collection method: clinical testing. Allele origin: germline.
Comment: The c.562C>T variant in CPT1A is a nonsense variant predicted to introduce a stop codon at amino acid 188. This variant is expected to result in nonsense mediated decay, truncation, or a dysfunctional protein product. This variant is rare in the general population with a frequency below the threshold expected for the associated phenotype(s). Given the available evidence, this variant is classified as Likely Pathogenic.

Labcorp Genetics (formerly Invitae), Labcorp
Classification: Pathogenic for Carnitine palmitoyl transferase 1A deficiency. Last evaluated: 2022-06-13. Review status: criteria provided, single submitter. Criteria: Invitae Variant Classification Sherloc (09022015). Collection method: clinical testing. Allele origin: germline.
Comment: For these reasons, this variant has been classified as Pathogenic. This variant has not been reported in the literature in individuals affected with CPT1A-related conditions. This variant is not present in population databases (gnomAD no frequency). This sequence change creates a premature translational stop signal (p.Gln188*) in the CPT1A gene. It is expected to result in an absent or disrupted protein product. Loss-of-function variants in CPT1A are known to be pathogenic (PMID: 16169268).

Literature cited by the submitters: PubMed 16169268 (cited by Labcorp Genetics (formerly Invitae), Labcorp).

NM_001876.4(CPT1A):c.562C>T (p.Gln188Ter)

Gene: CPT1A (carnitine palmitoyltransferase 1A; minus strand). Cytogenetic location: 11q13.3.
Variant type: single nucleotide variant.
Coding change: c.562C>T on transcript NM_001876.4 (MANE Select); coding-DNA position 562, C replaced by T.
Protein change: p.Gln188Ter; replaces glutamine 188 with a stop codon.
Molecular consequence: nonsense.
Genome position (GRCh38, 1-based): chr11:68,799,349, G>A on the plus strand (C>T on the coding strand, the complement: CPT1A is on the minus strand). VCF-style: chr11-68799349-G-A. GRCh37 (hg19) VCF-style: chr11-68566817-G-A.
Other names: c.562C>T, p.Gln188Ter (NM_001031847.3); c.562C>T (NM_001876.3); short protein forms Q188*.
Identifiers: ClinVar variation 2071006 (VCV002071006.5), dbSNP rs2495634700, ClinGen allele CA381635596.